The following is an entry in ClinVar:

ClinVar aggregate classification (germline): Uncertain significance (1 of 4 stars; one submission).

Conditions:
Familial thoracic aortic aneurysm and aortic dissection (TAAD). Also called: Thoracic aortic aneurysms and dissections. Identifiers: Orphanet 91387, MedGen C4707243, MONDO:0019625.

Allele frequency attached by ClinVar (database versions not stated): gnomAD exomes below 0.00001.
gnomAD v4.1: 2 of 1,614,030 alleles (0.00012%); highest among the groups gnomAD compares: Non-Finnish European, 0.000085%; no homozygotes.

Submission:

Color Diagnostics, LLC DBA Color Health
Classification: Uncertain significance for Familial thoracic aortic aneurysm and aortic dissection. Last evaluated: 2023-12-04. Review status: criteria provided, single submitter. Criteria: ACMG Guidelines, 2015. Collection method: clinical testing. Allele origin: germline.
Comment: Variant of Uncertain Significance due to insufficient evidence: This missense variant replaces isoleucine with valine at codon 793 of the MYH11 protein. Computational prediction tools and conservation analyses are inconclusive regarding the impact of this variant on the protein function. Computational splicing tools suggest that this variant may not impact RNA splicing. To our knowledge, functional assays have not been performed for this variant nor has this variant been reported in individuals affected with cardiovascular disorders in the literature. This variant is rare in the general population and has been identified in 0/277264 chromosomes by the Genome Aggregation Database (gnomAD). Available evidence is insufficient to determine the role of this variant in disease conclusively.

NM_002474.3(MYH11):c.2356A>G (p.Ile786Val)

Gene: MYH11 (myosin heavy chain 11; minus strand). Cytogenetic location: 16p13.11.
Variant type: single nucleotide variant.
Coding change: c.2356A>G on transcript NM_002474.3 (MANE Select); coding-DNA position 2356, A replaced by G.
Protein change: p.Ile786Val; replaces isoleucine 786 with valine.
Molecular consequence: missense variant.
Genome position (GRCh38, 1-based): chr16:15,747,625, T>C on the plus strand (A>G on the coding strand, the complement: MYH11 is on the minus strand). VCF-style: chr16-15747625-T-C. GRCh37 (hg19) VCF-style: chr16-15841482-T-C.
Other names: c.2377A>G, p.Ile793Val (NM_001040113.2, NM_001040114.2); c.2356A>G, p.Ile786Val (NM_022844.3); short protein forms I786V, I793V.
Identifiers: ClinVar variation 919661 (VCV000919661.5), dbSNP rs2041454061, ClinGen allele CA394867246.
Genomic context (GRCh38, chr16:15,747,625, plus strand): 5'-TTTACTTTCTGGCCAAGTAGCCACGACACATCGCCTGGAAGGCCATGATGACATCGGTGA[T>C]CTTCAAATCTCGCTCCTCCTCTAGGTGGGCCAGGACGCCAGTTCGGAAGAAGATTTTGCT-3'
Protein context (NP_002465.1, residues 776-796): AHLEEERDLK[Ile786Val]TDVIMAFQAM